The following is an entry in ClinVar:

ClinVar aggregate classification (germline): Uncertain significance (1 of 4 stars; one submission).

Conditions:
Dyskeratosis congenita, autosomal dominant 1 (DKCA1). Also called: Dyskeratosis congenita Scoggins type. Identifiers: Orphanet 1775, MedGen C4551974, MONDO:0007485, OMIM 127550. Inheritance: Variable.

Submission:

Labcorp Genetics (formerly Invitae), Labcorp
Classification: Uncertain significance for Dyskeratosis congenita, autosomal dominant 1. Last evaluated: 2021-04-11. Review status: criteria provided, single submitter. Criteria: Invitae Variant Classification Sherloc (09022015). Collection method: clinical testing. Allele origin: germline.
Comment: This variant is located within the conserved regions 4 and 5 (CR4-CR5) domain of the TERC RNA component, which is required for telomerase activity (PMID: 15082312, 21844345). Functional studies testing the effect of this variant on TERC secondary structure or function have not been reported. In summary, the available evidence is currently insufficient to determine the role of this variant in disease. Therefore, it has been classified as a Variant of Uncertain Significance. This variant has not been reported in the literature in individuals with TERC-related conditions. The frequency data for this variant in the population databases is considered unreliable, as metrics indicate insufficient coverage at this position in the ExAC database. This variant occurs in the TERC gene, which encodes an RNA molecule that does not result in a protein product.

Literature cited by the submitters: PubMed 15082312; PubMed 21844345.

NC_000003.12:g.169764806G>A

Genes: TERC (telomerase RNA component; minus strand), LOC110806306 (telomerase RNA component (TERC) promoter; plus strand). Cytogenetic location: 3q26.2.
Variant type: single nucleotide variant.
Genome position: GRCh38 VCF-style: chr3-169764806-G-A. GRCh37 (hg19) VCF-style: chr3-169482594-G-A.
Identifiers: ClinVar variation 1368826 (VCV001368826.8), dbSNP rs2108183019, ClinGen allele CA436715260.